The following is an entry in ClinVar:

ClinVar aggregate classification (germline): Conflicting classifications of pathogenicity. Review status: criteria provided, conflicting classifications (1 of 4 stars). 3 submissions from 2 submitters: Uncertain significance (2); Likely benign (1). Last evaluated 2022-12-01.

Conditions:
Isolated focal cortical dysplasia type II (FCORD2). Also called: Focal cortical dysplasia type II; CORTICAL DYSPLASIA OF TAYLOR. Identifiers: Orphanet 268994, MedGen C1846385, MONDO:0011818, OMIM 607341, HP:0032051.
Tuberous sclerosis 1 (TSC1). Identifiers: Orphanet 805, MedGen C1854465, MONDO:0008612, OMIM 191100.

Allele frequency attached by ClinVar (database versions not stated): gnomAD exomes 0.00037; TOPMed 0.00066.
gnomAD v4.1: 84 of 231,544 alleles (0.036%); highest among the groups gnomAD compares: Admixed American, 0.27%; no homozygotes.

Submissions (3):

CeGaT Center for Human Genetics Tuebingen
Classification: Likely benign. Last evaluated: 2022-12-01. Review status: criteria provided, single submitter. Criteria: CeGaT Center For Human Genetics Tuebingen Variant Classification Criteria Version 2. Collection method: clinical testing. Allele origin: germline. Affected: yes. Observed: 1 variant allele.
Comment: TSC1: BS1

Illumina Laboratory Services, Illumina
Classification: Uncertain significance for Isolated focal cortical dysplasia type II. Last evaluated: 2018-01-12. Review status: criteria provided, single submitter. Criteria: ICSL Variant Classification Criteria 13 December 2019. Collection method: clinical testing. Allele origin: germline.

Illumina Laboratory Services, Illumina
Classification: Uncertain significance for Tuberous sclerosis 1. Last evaluated: 2018-01-12. Review status: criteria provided, single submitter. Criteria: ICSL Variant Classification Criteria 13 December 2019. Collection method: clinical testing. Allele origin: germline.

NM_000368.5(TSC1):c.*1355C>A

Gene: TSC1 (TSC complex subunit 1; minus strand). Cytogenetic location: 9q34.13.
Variant type: single nucleotide variant.
Coding change: c.*1355C>A on transcript NM_000368.5 (MANE Select); 1355 bases downstream of the stop codon, C replaced by A.
Molecular consequence: 3 prime UTR variant.
Genome position (GRCh38, 1-based): chr9:132,894,880, G>T on the plus strand (C>A on the coding strand, the complement: TSC1 is on the minus strand). VCF-style: chr9-132894880-G-T. GRCh37 (hg19) VCF-style: chr9-135770267-G-T.
Other names: c.*1355C>A (NM_001162426.2, NM_001162427.2, NM_001362177.2).
Identifiers: ClinVar variation 914427 (VCV000914427.28), dbSNP rs749683153, ClinGen allele CA200924544.